The following is an entry in ClinVar:

ClinVar aggregate classification (germline): Uncertain significance (1 of 4 stars; one submission).

Conditions:
Birt-Hogg-Dube syndrome. Also called: Birt Hogg Dubé syndrome. Identifiers: Orphanet 122, MedGen C0346010, MONDO:0800444.

Submission:

Labcorp Genetics (formerly Invitae), Labcorp
Classification: Uncertain significance for Birt-Hogg-Dube syndrome. Last evaluated: 2024-09-02. Review status: criteria provided, single submitter. Criteria: Invitae Variant Classification Sherloc (09022015). Collection method: clinical testing. Allele origin: germline.
Comment: This sequence change replaces asparagine, which is neutral and polar, with tyrosine, which is neutral and polar, at codon 249 of the FLCN protein (p.Asn249Tyr). This variant is not present in population databases (gnomAD no frequency). This variant has not been reported in the literature in individuals affected with FLCN-related conditions. Invitae Evidence Modeling of protein sequence and biophysical properties (such as structural, functional, and spatial information, amino acid conservation, physicochemical variation, residue mobility, and thermodynamic stability) indicates that this missense variant is not expected to disrupt FLCN protein function with a negative predictive value of 80%. In summary, the available evidence is currently insufficient to determine the role of this variant in disease. Therefore, it has been classified as a Variant of Uncertain Significance.

NM_144997.7(FLCN):c.745A>T (p.Asn249Tyr)

Gene: FLCN (folliculin; minus strand). Cytogenetic location: 17p11.2.
Variant type: single nucleotide variant.
Coding change: c.745A>T on transcript NM_144997.7 (MANE Select); coding-DNA position 745, A replaced by T.
Protein change: p.Asn249Tyr; replaces asparagine 249 with tyrosine.
Molecular consequence: missense variant.
Genome position (GRCh38, 1-based): chr17:17,222,535, T>A on the plus strand (A>T on the coding strand, the complement: FLCN is on the minus strand). VCF-style: chr17-17222535-T-A. GRCh37 (hg19) VCF-style: chr17-17125849-T-A.
Other names: c.799A>T, p.Asn267Tyr (NM_001353229.2); c.745A>T, p.Asn249Tyr (NM_001353230.2, NM_001353231.2, NM_144606.7); short protein forms N267Y, N249Y.
Identifiers: ClinVar variation 3664236 (VCV003664236.2).